The following is an entry in ClinVar:

NM_001042472.3(ABHD12):c.*297C>G

Gene: ABHD12 (abhydrolase domain containing 12, lysophospholipase; minus strand). Cytogenetic location: 20p11.21.
Variant type: single nucleotide variant.
Coding change: c.*297C>G on transcript NM_001042472.3 (MANE Select); 297 bases downstream of the stop codon, C replaced by G.
Molecular consequence: 3 prime UTR variant. On other transcripts: intron variant (1).
Genome position (GRCh38, 1-based): chr20:25,300,548, G>C on the plus strand (C>G on the coding strand, the complement: ABHD12 is on the minus strand). VCF-style: chr20-25300548-G-C. GRCh37 (hg19) VCF-style: chr20-25281184-G-C.
Other names: c.1157+1671C>G (NM_015600.5).
Identifiers: ClinVar variation 337986 (VCV000337986.8), dbSNP rs11100, ClinGen allele CA10649456.
Genomic context (GRCh38, chr20:25,300,548, plus strand): 5'-GTCCCGAGCCCCAAGAGTCCCCTGCCCGGACTCCCCCTGTCCAGCTCAGTGCAGCATCAA[G>C]CAGGCAGTGATGGCTGCCTGCTGCCATTAAGTCTCCCAACAAGATCTCAGGTTGAGGGGC-3'

ClinVar aggregate classification (germline): Benign. Review status: criteria provided, multiple submitters, no conflicts (2 of 4 stars). 3 submissions from 3 submitters: Benign (3). Last evaluated 2018-11-10.

Conditions:
PHARC syndrome. Also called: Polyneuropathy-hearing loss-ataxia-retinitis pigmentosa-cataract syndrome. Identifiers: Orphanet 171848, MedGen C2675204, MONDO:0012984, OMIM 612674.

Allele frequency attached by ClinVar (database versions not stated): gnomAD 0.44435 and 0.44977; TOPMed 0.44511; gnomAD exomes 0.45029; 1000 Genomes Project 30x 0.52092; 1000 Genomes Project 0.53634.
gnomAD v4.1: 622,074 of 1,380,880 alleles (45%); highest among the groups gnomAD compares: East Asian, 92%; 145,249 homozygotes.

Submissions (3):

GeneDx
Classification: Benign. Last evaluated: 2018-11-10. Review status: criteria provided, single submitter. Criteria: GeneDx Variant Classification Process June 2021. Collection method: clinical testing. Allele origin: germline. Affected: yes.

Illumina Laboratory Services, Illumina
Classification: Benign for PHARC syndrome. Last evaluated: 2017-04-27. Review status: criteria provided, single submitter. Criteria: ICSL Variant Classification Criteria 13 December 2019. Collection method: clinical testing. Allele origin: germline.
Comment: This variant was observed as part of a predisposition screen in an ostensibly healthy population. A literature search was performed for the gene, cDNA change, and amino acid change (where applicable). No publications were found based on this search. Allele frequency data from public databases was too high to be consistent with this variant causing disease. Therefore, this variant is classified as benign.

Breakthrough Genomics
Classification: Benign. Review status: criteria provided, single submitter. Criteria: ACMG Guidelines, 2015. Collection method: not provided. Allele origin: germline. Inheritance: Autosomal recessive inheritance. Affected: yes.